The following is an entry in ClinVar:

NM_014991.6(WDFY3):c.2941A>C (p.Met981Leu)

Genes: WDFY3 (WD repeat and FYVE domain containing 3; minus strand), WDFY3-AS1 (WDFY3 antisense RNA 1; plus strand). Cytogenetic location: 4q21.23.
Variant type: single nucleotide variant.
Coding change: c.2941A>C on transcript NM_014991.6 (MANE Select); coding-DNA position 2941, A replaced by C.
Protein change: p.Met981Leu; replaces methionine 981 with leucine.
Molecular consequence: missense variant. On other transcripts: non-coding transcript variant (1).
Genome position (GRCh38, 1-based): chr4:84,796,747, T>G on the plus strand (A>C on the coding strand, the complement: WDFY3 is on the minus strand). VCF-style: chr4-84796747-T-G. GRCh37 (hg19) VCF-style: chr4-85717900-T-G.
Other names: short protein forms M981L.
Identifiers: ClinVar variation 1207061 (VCV001207061.4), dbSNP rs947768947, ClinGen allele CA100719650.

ClinVar aggregate classification (germline): Uncertain significance. Review status: criteria provided, multiple submitters, no conflicts (2 of 4 stars). 2 submissions from 2 submitters: Uncertain significance (2). Last evaluated 2024-02-12.

Conditions:
Inborn genetic diseases. Identifiers: MedGen C0950123, MeSH D030342.

Allele frequency attached by ClinVar (database versions not stated): gnomAD 0.00001.
gnomAD v4.1: 2 of 1,610,158 alleles (0.00012%); highest among the groups gnomAD compares: Admixed American, 0.0017%; no homozygotes.

Submissions (2):

Ambry Genetics
Classification: Uncertain significance for Inborn genetic diseases. Last evaluated: 2024-02-12. Review status: criteria provided, single submitter. Criteria: Ambry Variant Classification Scheme 2023. Collection method: clinical testing. Allele origin: germline.

GeneDx
Classification: Uncertain significance. Last evaluated: 2019-08-21. Review status: criteria provided, single submitter. Criteria: GeneDx Variant Classification Process June 2021. Collection method: clinical testing. Allele origin: germline. Affected: yes.
Comment: Not observed in large population cohorts (Lek et al., 2016); In silico analysis, which includes protein predictors and evolutionary conservation, supports that this variant does not alter protein structure/function; Has not been previously published as pathogenic or benign to our knowledge